The following is an entry in ClinVar:

NM_000133.4(F9):c.1214A>T (p.Asp405Val)

Gene: F9 (coagulation factor IX; plus strand). Cytogenetic location: Xq27.1.
Variant type: single nucleotide variant.
Coding change: c.1214A>T on transcript NM_000133.4 (MANE Select); coding-DNA position 1214, A replaced by T.
Protein change: p.Asp405Val; replaces aspartic acid 405 with valine.
Molecular consequence: missense variant.
Genome position (GRCh38, 1-based): chrX:139,561,899, A>T. VCF-style: chrX-139561899-A-T. GRCh37 (hg19) VCF-style: chrX-138644058-A-T.
Other names: c.1100A>T, p.Asp367Val (NM_001313913.2); short protein forms D367V, D405V.
Identifiers: ClinVar variation 2429487 (VCV002429487.1), dbSNP rs1928123737, ClinGen allele CA414446534.

ClinVar aggregate classification (germline): Likely pathogenic (1 of 4 stars; one submission).

Allele frequency attached by ClinVar (database versions not stated): TOPMed 0.00001.

Submission:

GeneDx
Classification: Likely pathogenic. Last evaluated: 2023-02-13. Review status: criteria provided, single submitter. Criteria: GeneDx Variant Classification Process June 2021. Collection method: clinical testing. Allele origin: germline. Affected: yes.
Comment: Not observed at significant frequency in large population cohorts (gnomAD); In silico analysis supports that this missense variant has a deleterious effect on protein structure/function; Has not been previously published as pathogenic or benign to our knowledge